The following is an entry in ClinVar:

ClinVar aggregate classification (germline): Likely benign (1 of 4 stars; one submission).

Submission:

GeneDx
Classification: Likely benign. Last evaluated: 2016-10-10. Review status: criteria provided, single submitter. Criteria: GeneDx Variant Classification (06012015). Collection method: clinical testing. Allele origin: germline. Affected: yes.
Comment: This variant is considered likely benign or benign based on one or more of the following criteria: it is a conservative change, it occurs at a poorly conserved position in the protein, it is predicted to be benign by multiple in silico algorithms, and/or has population frequency not consistent with disease.

NM_000719.7(CACNA1C):c.135C>A (p.Thr45=)

Gene: CACNA1C (calcium voltage-gated channel subunit alpha1 C; plus strand). Cytogenetic location: 12p13.33.
Variant type: single nucleotide variant.
Coding change: c.135C>A on transcript NM_000719.7 (MANE Select); coding-DNA position 135, C replaced by A.
Protein change: p.Thr45=; no amino-acid change (threonine 45 retained).
Molecular consequence: synonymous variant.
Genome position (GRCh38, 1-based): chr12:2,115,309, C>A. VCF-style: chr12-2115309-C-A. GRCh37 (hg19) VCF-style: chr12-2224475-C-A.
Other names: c.135C>A, p.Thr45= (NM_001129827.2, NM_001129829.2, NM_001129830.3 and 19 more transcripts).
Identifiers: ClinVar variation 389815 (VCV000389815.1), dbSNP rs749123185, ClinGen allele CA16606478.
Genomic context (GRCh38, chr12:2,115,309, plus strand): 5'-CGCCCATGCCAACATGAATGCCAATGCGGCAGCGGGGCTGGCCCCTGAGCACATCCCCAC[C>A]CCGGGGGCTGCCCTGTCGTGGCAGGCGGCCATCGACGCAGCCCGGCAGGCTAAGCTGATG-3'
Protein context (NP_000710.5, residues 35-55): AAGLAPEHIP[Thr45=]PGAALSWQAA